The following is an entry in ClinVar:

NM_000298.6(PKLR):c.1706G>A (p.Arg569Gln)

Gene: PKLR (pyruvate kinase L/R; minus strand). Cytogenetic location: 1q22.
Variant type: single nucleotide variant.
Coding change: c.1706G>A on transcript NM_000298.6 (MANE Select); coding-DNA position 1706, G replaced by A.
Protein change: p.Arg569Gln; replaces arginine 569 with glutamine.
Molecular consequence: missense variant.
Genome position (GRCh38, 1-based): chr1:155,290,591, C>T on the plus strand (G>A on the coding strand, the complement: PKLR is on the minus strand). VCF-style: chr1-155290591-C-T. GRCh37 (hg19) VCF-style: chr1-155260382-C-T.
Other names: p.Arg569Gln; c.1613G>A, p.Arg538Gln (NM_181871.4); short protein forms R538Q, R569Q.
Identifiers: ClinVar variation 876509 (VCV000876509.26), dbSNP rs61755431, ClinGen allele CA1143917.

ClinVar aggregate classification (germline): Uncertain significance. Review status: criteria provided, multiple submitters, no conflicts (2 of 4 stars). 8 submissions from 8 submitters: Uncertain significance (8). Last evaluated 2025-04-09.

Conditions:
Pyruvate kinase deficiency of red cells (CNSHA2). Also called: Pyruvate kinase deficiency, Amish type; PK DEFICIENCY; PYRUVATE KINASE DEFICIENCY OF ERYTHROCYTE. Identifiers: Orphanet 766, MedGen C0340968, MONDO:0009950, OMIM 266200.

Allele frequency attached by ClinVar (database versions not stated): gnomAD exomes 0.00106 and 0.00185; TOPMed 0.00110; ESP Exome Variant Server 0.00108; 1000 Genomes Project 30x 0.00047; ExAC 0.00099; 1000 Genomes Project 0.00060; gnomAD 0.00114 and 0.00119.
gnomAD v4.1: 2,831 of 1,610,328 alleles (0.18%); highest among the groups gnomAD compares: Non-Finnish European, 0.23%; 10 homozygotes.

Submissions (8):

Mayo Clinic Laboratories, Mayo Clinic
Classification: Uncertain significance. Last evaluated: 2025-04-09. Review status: criteria provided, single submitter. Criteria: ACMG Guidelines, 2015. Collection method: clinical testing. Allele origin: germline. Observed: 7 variant alleles.
Comment: PP3_moderate

Labcorp Genetics (formerly Invitae), Labcorp
Classification: Uncertain significance. Last evaluated: 2024-12-08. Review status: criteria provided, single submitter. Criteria: Invitae Variant Classification Sherloc (09022015). Collection method: clinical testing. Allele origin: germline.
Comment: This sequence change replaces arginine, which is basic and polar, with glutamine, which is neutral and polar, at codon 569 of the PKLR protein (p.Arg569Gln). This variant is present in population databases (rs61755431, gnomAD 0.2%), and has an allele count higher than expected for a pathogenic variant. This missense change has been observed in individual(s) with clinical features of pyruvate kinase deficiency (PMID: 15953013, 19085939, 21794208, 31974203, 32043619, 33631127). ClinVar contains an entry for this variant (Variation ID: 876509). Invitae Evidence Modeling of protein sequence and biophysical properties (such as structural, functional, and spatial information, amino acid conservation, physicochemical variation, residue mobility, and thermodynamic stability) indicates that this missense variant is not expected to disrupt PKLR protein function with a negative predictive value of 80%. Algorithms developed to predict the effect of sequence changes on RNA splicing suggest that this variant may create or strengthen a splice site. In summary, the available evidence is currently insufficient to determine the role of this variant in disease. Therefore, it has been classified as a Variant of Uncertain Significance.

ARUP Laboratories, Molecular Genetics and Genomics, ARUP Laboratories
Classification: Uncertain significance. Last evaluated: 2024-11-29. Review status: criteria provided, single submitter. Criteria: ARUP Molecular Germline Variant Investigation Process 2024. Collection method: clinical testing. Allele origin: germline.
Comment: The PKLR c.1706G>A; p.Arg569Gln variant (rs61755431, ClinVar Variation ID: 876509) is reported in the compound heterozygous state in individuals with pyruvate kinase (PK) deficiency (Bianchi 2020, Fermo 2005, Lyon 2011, Milanesio 2021, Rab 2021, Van Dooijeweert 2021, van Wijk 2009). However, phasing of the second variant was not confirmed in every individual. In one individual, a second PKLR variant was not detected (Fermo 2005). This variant is found predominantly in the non-Finnish European population with an allele frequency of 0.2% (266/128,632) alleles, including one homozygote) in the Genome Aggregation Database (v2.1.1). Computational analyses predict that this variant is deleterious (REVEL: 0.786). However, given the lack of functional data, the significance of this variant remains uncertain at this time. References: Bianchi P et al. Genotype-phenotype correlation and molecular heterogeneity in pyruvate kinase deficiency. Am J Hematol. 2020 May. PMID: 32043619. Fermo E et al. Red cell pyruvate kinase deficiency: 17 new mutations of the PK-LR gene. Br J Haematol. 2005 Jun. PMID: 15953013. Lyon GJ et al. Exome sequencing and unrelated findings in the context of complex disease research: ethical and clinical implications. Discov Med. 2011 Jul. PMID: 21794208. Milanesio B et al. Six novel variants in the PKLR gene associated with pyruvate kinase deficiency in Argentinian patients. Clin Biochem. 2021 May. PMID: 33631127. Rab MAE et al. AG-348 (Mitapivat), an allosteric activator of red blood cell pyruvate kinase, increases enzymatic activity, protein stability, and ATP levels over a broad range of PKLR genotypes. Haematologica. 2021 Jan 1. PMID: 31974203. Van Dooijeweert B et al. Untargeted metabolic profiling in dried blood spots identifies disease fingerprint for pyruvate kinase deficiency. Haematologica. 2021 Oct 1. PMID: 33054133. van Wijk R et al. Fifteen novel mutations in PKLR associated with pyruvate kinase (PK) deficiency: structural implications of amino acid substitutions in PK. Hum Mutat. 2009 Mar. PMID: 19085939.

Blueprint Genetics
Classification: Uncertain significance. Last evaluated: 2024-11-23. Review status: criteria provided, single submitter. Criteria: ACMG Guidelines, 2015. Collection method: clinical testing. Allele origin: germline.

Revvity Omics, Revvity
Classification: Uncertain significance. Last evaluated: 2024-08-26. Review status: criteria provided, single submitter. Criteria: ACMG Guidelines, 2015. Collection method: clinical testing. Allele origin: germline.

Women's Health and Genetics/Laboratory Corporation of America, LabCorp
Classification: Uncertain significance. Last evaluated: 2023-07-14. Review status: criteria provided, single submitter. Criteria: LabCorp Variant Classification Summary - May 2015. Collection method: clinical testing. Allele origin: germline.
Comment: Variant summary: PKLR c.1706G>A (p.Arg569Gln) results in a conservative amino acid change located in the Pyruvate kinase, C-terminal domain (IPR015795) of the encoded protein sequence. Three of five in-silico tools predict a benign effect of the variant on protein function. The variant allele was found at a frequency of 0.0011 in 250772 control chromosomes in the gnomAD database, including 1 homozygote. This frequency does not allow any conclusion about variant significance. c.1706G>A has been reported in the literature in the compound heterozygous state in individuals affected with various severities of Pyruvate Kinase Deficiency Of Red Cells (e.g. van Wijk_2009, Lyon_2011, Milanesio_2021). These data indicate that the variant may be associated with disease. To our knowledge, no experimental evidence demonstrating an impact on protein function has been reported. The following publications have been ascertained in the context of this evaluation (PMID: 15953013, 21794208, 33631127, 31974203, 19085939, 32043619). Four submitters have cited clinical-significance assessments for this variant to ClinVar after 2014. All submitters classified the variant as uncertain significance. Based on the evidence outlined above, the variant was classified as VUS-possibly pathogenic.

Illumina Laboratory Services, Illumina
Classification: Uncertain significance for Pyruvate kinase deficiency of red cells. Last evaluated: 2017-04-27. Review status: criteria provided, single submitter. Criteria: ICSL Variant Classification Criteria 13 December 2019. Collection method: clinical testing. Allele origin: germline.
Comment: This variant was observed as part of a predisposition screen in an ostensibly healthy population. A literature search was performed for the gene, cDNA change, and amino acid change (where applicable). Publications were found based on this search. However, the evidence from the literature, in combination with allele frequency data from public databases where available, was not sufficient to rule this variant in or out of causing disease. Therefore, this variant is classified as a variant of unknown significance.

Breakthrough Genomics
Classification: Uncertain significance. Review status: criteria provided, single submitter. Criteria: ACMG Guidelines, 2015. Collection method: not provided. Allele origin: germline. Inheritance: Autosomal recessive inheritance. Affected: yes.

Literature cited by the submitters: PubMed 33631127 (cited by 3 submitters); PubMed 35351432 (cited by Mayo Clinic Laboratories, Mayo Clinic); PubMed 35406697 (cited by Mayo Clinic Laboratories, Mayo Clinic); PubMed 15953013 (cited by 3 submitters); PubMed 19085939 (cited by 3 submitters); PubMed 21794208 (cited by Labcorp Genetics (formerly Invitae), Labcorp and Women's Health and Genetics/Laboratory Corporation of America, LabCorp); PubMed 31974203 (cited by Labcorp Genetics (formerly Invitae), Labcorp and Women's Health and Genetics/Laboratory Corporation of America, LabCorp); PubMed 32043619 (cited by Labcorp Genetics (formerly Invitae), Labcorp and Women's Health and Genetics/Laboratory Corporation of America, LabCorp); PubMed 16704447 (cited by Illumina Laboratory Services, Illumina); PubMed 18172691 (cited by Illumina Laboratory Services, Illumina).